The following is an entry in ClinVar:

ClinVar aggregate classification (germline): Uncertain significance. Review status: criteria provided, multiple submitters, no conflicts (2 of 4 stars). 2 submissions from 2 submitters: Uncertain significance (2). Last evaluated 2024-05-03.

Conditions:
Fanconi anemia complementation group P. Also called: SLX4-Related Fanconi Anemia. Identifiers: Orphanet 84, MedGen C3469542, MONDO:0013499, OMIM 613951.
Fanconi anemia (FA). Also called: Fanconi's anemia. Identifiers: Orphanet 84, MedGen C0015625, MeSH D005199, MONDO:0019391.

Allele frequency attached by ClinVar (database versions not stated): gnomAD exomes below 0.00001; TOPMed 0.00002; gnomAD 0.00003 and 0.00004.
gnomAD v4.1: 5 of 1,613,032 alleles (0.00031%); highest among the groups gnomAD compares: African/African-American, 0.0067%; no homozygotes.

Submissions (2):

Fulgent Genetics
Classification: Uncertain significance for Fanconi anemia complementation group P. Last evaluated: 2024-05-03. Review status: criteria provided, single submitter. Criteria: ACMG Guidelines, 2015. Collection method: clinical testing. Allele origin: germline.

Sema4
Classification: Uncertain significance for Fanconi anemia. Last evaluated: 2021-08-24. Review status: criteria provided, single submitter. Criteria: Sema4 Curation Guidelines. Collection method: curation. Allele origin: germline.
Comment: The SLX4 c.4864C>G (p.Q1622E) variant has not been reported in literature to our knowledge. This variant observed in 1/31400 chromosomes in the large and broad cohorts of the the Genome Aggregation Database (PMID: 32461654). This variant has not been reported in ClinVar. In silico tools suggest the impact of the variant on protein function is benign, though these predictions have not been confirmed by functional studies. The overall evidence is insufficient to meet ACMG/AMP criteria for classifying it as benign or pathogenic. In summary, the clinical significance of this variant is currently uncertain.

NM_032444.4(SLX4):c.4864C>G (p.Gln1622Glu)

Gene: SLX4 (SLX4 structure-specific endonuclease subunit; minus strand). Cytogenetic location: 16p13.3.
Variant type: single nucleotide variant.
Coding change: c.4864C>G on transcript NM_032444.4 (MANE Select); coding-DNA position 4864, C replaced by G.
Protein change: p.Gln1622Glu; replaces glutamine 1622 with glutamic acid.
Molecular consequence: missense variant.
Genome position (GRCh38, 1-based): chr16:3,583,386, G>C on the plus strand (C>G on the coding strand, the complement: SLX4 is on the minus strand). VCF-style: chr16-3583386-G-C. GRCh37 (hg19) VCF-style: chr16-3633387-G-C.
Other names: short protein forms Q1622E.
Identifiers: ClinVar variation 1692017 (VCV001692017.2), dbSNP rs1009469961, ClinGen allele CA276952786.